The following is an entry in ClinVar:

ClinVar aggregate classification (germline): Uncertain significance (1 of 4 stars; one submission).

Conditions:
Ullrich congenital muscular dystrophy 2 (UCMD2). Identifiers: Orphanet 75840, MedGen C4225314, MONDO:0014654, OMIM 616470.
Bethlem myopathy 2 (BTHLM2). Identifiers: Orphanet 536516, Orphanet 610, MedGen C4225313, MONDO:0034022, OMIM 616471.

Allele frequency attached by ClinVar (database versions not stated): gnomAD exomes below 0.00001.

Submission:

Labcorp Genetics (formerly Invitae), Labcorp
Classification: Uncertain significance for Bethlem myopathy 2; Ullrich congenital muscular dystrophy 2. Last evaluated: 2023-06-14. Review status: criteria provided, single submitter. Criteria: Invitae Variant Classification Sherloc (09022015). Collection method: clinical testing. Allele origin: germline.
Comment: This sequence change replaces threonine, which is neutral and polar, with alanine, which is neutral and non-polar, at codon 877 of the COL12A1 protein (p.Thr877Ala). This variant is not present in population databases (gnomAD no frequency). This variant has not been reported in the literature in individuals affected with COL12A1-related conditions. Advanced modeling of protein sequence and biophysical properties (such as structural, functional, and spatial information, amino acid conservation, physicochemical variation, residue mobility, and thermodynamic stability) performed at Invitae indicates that this missense variant is not expected to disrupt COL12A1 protein function. In summary, the available evidence is currently insufficient to determine the role of this variant in disease. Therefore, it has been classified as a Variant of Uncertain Significance.

NM_004370.6(COL12A1):c.2629A>G (p.Thr877Ala)

Gene: COL12A1 (collagen type XII alpha 1 chain; minus strand). Cytogenetic location: 6q13.
Variant type: single nucleotide variant.
Coding change: c.2629A>G on transcript NM_004370.6 (MANE Select); coding-DNA position 2629, A replaced by G.
Protein change: p.Thr877Ala; replaces threonine 877 with alanine.
Molecular consequence: missense variant. On other transcripts: intron variant (3).
Genome position (GRCh38, 1-based): chr6:75,175,119, T>C on the plus strand (A>G on the coding strand, the complement: COL12A1 is on the minus strand). VCF-style: chr6-75175119-T-C. GRCh37 (hg19) VCF-style: chr6-75884835-T-C.
Other names: c.2629A>G, p.Thr877Ala (NM_001424113.1, NM_001424114.1); c.74-22637A>G (NM_001424116.1, NM_080645.3); c.2437+2544A>G (NM_001424115.1); short protein forms T877A.
Identifiers: ClinVar variation 2939190 (VCV002939190.3), dbSNP rs2533516963, ClinGen allele CA364761521.